The following is an entry in ClinVar:

NM_152862.3(ARPC2):c.115G>A (p.Asp39Asn)

Gene: ARPC2 (actin related protein 2/3 complex subunit 2; plus strand). Cytogenetic location: 2q35.
Variant type: single nucleotide variant.
Coding change: c.115G>A on transcript NM_152862.3 (MANE Select); coding-DNA position 115, G replaced by A.
Protein change: p.Asp39Asn; replaces aspartic acid 39 with asparagine.
Molecular consequence: missense variant.
Genome position (GRCh38, 1-based): chr2:218,228,743, G>A. VCF-style: chr2-218228743-G-A. GRCh37 (hg19) VCF-style: chr2-219093466-G-A.
Other names: c.115G>A, p.Asp39Asn (NM_005731.3); short protein forms D39N.
Identifiers: ClinVar variation 4863638 (VCV004863638.1).
Genomic context (GRCh38, chr2:218,228,743, plus strand): 5'-AGAGATTATTTCCCATTCCCAAATTGTTACGCAATCTTATTTGCTTTCCTCACAGATTTC[G>A]ATGGGGTCCTCTATCATATTTCAAATCCTAATGGAGACAAAACAAAAGTGATGGTCAGTA-3'
Protein context (NP_690601.1, residues 29-49): EAVEVTFADF[Asp39Asn]GVLYHISNPN

ClinVar aggregate classification (germline): Uncertain significance (1 of 4 stars; one submission).

gnomAD v4.1: 6 of 1,578,904 alleles (0.00038%); highest among the groups gnomAD compares: African/African-American, 0.0027%; no homozygotes.

Submission:

Ambry Genetics
Classification: Uncertain significance. Last evaluated: 2026-05-06. Review status: criteria provided, single submitter. Criteria: Ambry Variant Classification Scheme 2023. Collection method: clinical testing. Allele origin: germline.
Comment: The c.115G>A (p.D39N) alteration is located in exon 4 (coding exon 3) of the ARPC2 gene. This alteration results from a G to A substitution at nucleotide position 115, causing the aspartic acid (D) at amino acid position 39 to be replaced by an asparagine (N). Based on data from gnomAD, the A allele has an overall frequency of <0.001% (1/250114) total alleles studied. The highest observed frequency was 0.006% (1/16226) of African alleles. Based on insufficient or conflicting evidence, the clinical significance of this alteration remains unclear.